The following is an entry in ClinVar:

NM_000548.5(TSC2):c.96G>C (p.Glu32Asp)

Gene: TSC2 (TSC complex subunit 2; plus strand). Cytogenetic location: 16p13.3.
Variant type: single nucleotide variant.
Coding change: c.96G>C on transcript NM_000548.5 (MANE Select); coding-DNA position 96, G replaced by C.
Protein change: p.Glu32Asp; replaces glutamic acid 32 with aspartic acid.
Molecular consequence: missense variant. On other transcripts: 5 prime UTR variant (19), non-coding transcript variant (5), intron variant (6).
Genome position (GRCh38, 1-based): chr16:2,048,711, G>C. VCF-style: chr16-2048711-G-C. GRCh37 (hg19) VCF-style: chr16-2098712-G-C.
Other names: c.-721G>C (NM_001406687.1, NM_001406680.1, NM_001406683.1); c.-131G>C (NM_001406688.1, NM_001406682.1, NM_001406684.1 and 2 more transcripts); c.-1336G>C (NM_001406689.1, NM_001406690.1, NM_001406691.1 and 2 more transcripts); c.-1642G>C (NM_001406693.1); c.-1217G>C (NM_001406694.1, NM_001406695.1); c.-1324G>C (NM_001406696.1); c.-1512G>C (NM_001406698.1); c.96G>C, p.Glu32Asp (NM_021055.3, NM_001406667.1, NM_001406668.1 and 13 more transcripts); and 4 more; short protein forms E43D, E32D.
Identifiers: ClinVar variation 4703166 (VCV004703166.1).

ClinVar aggregate classification (germline): Uncertain significance. Review status: criteria provided, multiple submitters, no conflicts (2 of 4 stars). 2 submissions from 2 submitters: Uncertain significance (2). Last evaluated 2025-07-15.

Conditions:
Tuberous sclerosis syndrome (TSC). Also called: Tuberous sclerosis; Tuberous Sclerosis Complex. Identifiers: Orphanet 805, MedGen C0041341, MONDO:0001734.
Tuberous sclerosis 2 (TSC2). Identifiers: Orphanet 805, MedGen C1860707, MONDO:0013199, OMIM 613254.

gnomAD v4.1: 1 of 1,614,114 alleles (0.000062%); highest among the groups gnomAD compares: Non-Finnish European, 0.000085%; no homozygotes.

Submissions (2):

Color Diagnostics, LLC DBA Color Health
Classification: Uncertain significance for Tuberous sclerosis syndrome. Last evaluated: 2025-07-15. Review status: criteria provided, single submitter. Criteria: ACMG Guidelines, 2015. Collection method: clinical testing. Allele origin: germline.
Comment: This missense variant replaces glutamic acid with aspartic acid at codon 32 of the TSC2 protein. Computational prediction suggests that this variant may not impact protein structure and function. To our knowledge, functional studies have not been reported for this variant. This variant has not been reported in individuals affected with TSC2-related disorders in the literature. This variant has not been identified in the general population by the Genome Aggregation Database (gnomAD). The available evidence is insufficient to determine the role of this variant in disease conclusively. Therefore, this variant is classified as a Variant of Uncertain Significance.

Labcorp Genetics (formerly Invitae), Labcorp
Classification: Uncertain significance for Tuberous sclerosis 2. Last evaluated: 2025-05-15. Review status: criteria provided, single submitter. Criteria: Invitae Variant Classification Sherloc (09022015). Collection method: clinical testing. Allele origin: germline.
Comment: This sequence change replaces glutamic acid, which is acidic and polar, with aspartic acid, which is acidic and polar, at codon 32 of the TSC2 protein (p.Glu32Asp). This variant is not present in population databases (gnomAD no frequency). This variant has not been reported in the literature in individuals affected with TSC2-related conditions. Invitae Evidence Modeling of protein sequence and biophysical properties (such as structural, functional, and spatial information, amino acid conservation, physicochemical variation, residue mobility, and thermodynamic stability) indicates that this missense variant is not expected to disrupt TSC2 protein function with a negative predictive value of 95%. In summary, the available evidence is currently insufficient to determine the role of this variant in disease. Therefore, it has been classified as a Variant of Uncertain Significance.